The following is an entry in ClinVar:

NM_213655.5(WNK1):c.2771A>T (p.Glu924Val)

Gene: WNK1 (WNK lysine deficient protein kinase 1; plus strand). Cytogenetic location: 12p13.33.
Variant type: single nucleotide variant.
Coding change: c.2771A>T on transcript NM_213655.5 (MANE Plus Clinical); coding-DNA position 2771, A replaced by T.
Protein change: p.Glu924Val; replaces glutamic acid 924 with valine.
Molecular consequence: missense variant. On other transcripts: intron variant (2).
Genome position (GRCh38, 1-based): chr12:868,242, A>T. VCF-style: chr12-868242-A-T. GRCh37 (hg19) VCF-style: chr12-977408-A-T.
Other names: c.2516A>T, p.Glu839Val (NM_001184985.2); c.2140-3023A>T (NM_018979.4, NM_014823.3); short protein forms E924V, E839V.
Identifiers: ClinVar variation 1347770 (VCV001347770.6), dbSNP rs2154071657, ClinGen allele CA383339583.

ClinVar aggregate classification (germline): Uncertain significance (1 of 4 stars; one submission).

Conditions:
Neuropathy, hereditary sensory and autonomic, type 2A (HSAN2A). Also called: WNK1-Related HSAN2 (HSAN2A); MORVAN DISEASE; NEUROPATHY, CONGENITAL SENSORY; NEUROPATHY, HEREDITARY SENSORY RADICULAR, AUTOSOMAL RECESSIVE; NEUROPATHY, HEREDITARY SENSORY, TYPE IIA; NEUROPATHY, PROGRESSIVE SENSORY, OF CHILDREN. Identifiers: Orphanet 970, MedGen C2752089, MONDO:0024309, OMIM 201300.
Pseudohypoaldosteronism type 2C (PHA2C). Also called: Pseudohypoaldosteronism Type IIC. Identifiers: Orphanet 757, Orphanet 88940, MedGen C1840391, MONDO:0013778, OMIM 614492.

Submission:

Labcorp Genetics (formerly Invitae), Labcorp
Classification: Uncertain significance for Neuropathy, hereditary sensory and autonomic, type 2A; Pseudohypoaldosteronism type 2C. Last evaluated: 2021-10-28. Review status: criteria provided, single submitter. Criteria: Invitae Variant Classification Sherloc (09022015). Collection method: clinical testing. Allele origin: germline.
Comment: In summary, the available evidence is currently insufficient to determine the role of this variant in disease. Therefore, it has been classified as a Variant of Uncertain Significance. Advanced modeling of protein sequence and biophysical properties (such as structural, functional, and spatial information, amino acid conservation, physicochemical variation, residue mobility, and thermodynamic stability) performed at Invitae indicates that this missense variant is not expected to disrupt WNK1 protein function. This variant has not been reported in the literature in individuals affected with WNK1-related conditions. This variant is not present in population databases (gnomAD no frequency). This sequence change replaces glutamic acid, which is acidic and polar, with valine, which is neutral and non-polar, at codon 924 of the WNK1 protein (p.Glu924Val).